The following is an entry in ClinVar:

ClinVar aggregate classification (germline): Uncertain significance (1 of 4 stars; one submission).

Conditions:
Familial cancer of breast. Also called: hereditary breast carcinoma; Hereditary breast cancer; BREAST CANCER, FAMILIAL. Identifiers: Orphanet 227535, MedGen C0346153, MONDO:0016419, OMIM 114480. Disease mechanism: loss of function.

Submission:

Labcorp Genetics (formerly Invitae), Labcorp
Classification: Uncertain significance for Familial cancer of breast. Last evaluated: 2023-07-09. Review status: criteria provided, single submitter. Criteria: Invitae Variant Classification Sherloc (09022015). Collection method: clinical testing. Allele origin: germline.
Comment: In summary, the available evidence is currently insufficient to determine the role of this variant in disease. Therefore, it has been classified as a Variant of Uncertain Significance. An algorithm developed to predict the effect of missense changes on protein structure and function (PolyPhen-2) suggests that this variant is likely to be tolerated. This variant has not been reported in the literature in individuals affected with CHEK2-related conditions. This variant is not present in population databases (gnomAD no frequency). This sequence change replaces serine, which is neutral and polar, with threonine, which is neutral and polar, at codon 442 of the CHEK2 protein (p.Ser442Thr).

NM_007194.4(CHEK2):c.1325G>C (p.Ser442Thr)

Gene: CHEK2 (checkpoint kinase 2; minus strand). Cytogenetic location: 22q12.1.
Variant type: single nucleotide variant.
Coding change: c.1325G>C on transcript NM_007194.4 (MANE Select); coding-DNA position 1325, G replaced by C.
Protein change: p.Ser442Thr; replaces serine 442 with threonine.
Molecular consequence: missense variant.
Genome position (GRCh38, 1-based): chr22:28,695,177, C>G on the plus strand (G>C on the coding strand, the complement: CHEK2 is on the minus strand). VCF-style: chr22-28695177-C-G. GRCh37 (hg19) VCF-style: chr22-29091165-C-G.
Other names: c.1454G>C, p.Ser485Thr (NM_001005735.3); c.662G>C, p.Ser221Thr (NM_001257387.3); c.1124G>C, p.Ser375Thr (NM_001349956.3); c.1238G>C, p.Ser413Thr (NM_145862.3); short protein forms S221T, S442T, S485T, S375T, S413T.
Identifiers: ClinVar variation 2739340 (VCV002739340.3), dbSNP rs779383555, ClinGen allele CA411095873.